The following is an entry in ClinVar:

NM_001035.3(RYR2):c.5548G>A (p.Val1850Met)

Gene: RYR2 (ryanodine receptor 2; plus strand). Cytogenetic location: 1q43.
Variant type: single nucleotide variant.
Coding change: c.5548G>A on transcript NM_001035.3 (MANE Select); coding-DNA position 5548, G replaced by A.
Protein change: p.Val1850Met; replaces valine 1850 with methionine.
Molecular consequence: missense variant.
Genome position (GRCh38, 1-based): chr1:237,614,676, G>A. VCF-style: chr1-237614676-G-A. GRCh37 (hg19) VCF-style: chr1-237777976-G-A.
Other names: short protein forms V1850M.
Identifiers: ClinVar variation 3385739 (VCV003385739.1).

ClinVar aggregate classification (germline): Uncertain significance (1 of 4 stars; one submission).

Conditions:
Catecholaminergic polymorphic ventricular tachycardia (CVPT). Also called: Catecholamine-induced polymorphic ventricular tachycardia. Identifiers: Orphanet 3286, MedGen C5574922, MONDO:0017990.

gnomAD v4.1: 1 of 1,614,012 alleles (0.000062%); highest among the groups gnomAD compares: Non-Finnish European, 0.000085%; no homozygotes.

Submission:

All of Us Research Program, National Institutes of Health
Classification: Uncertain significance for Catecholaminergic polymorphic ventricular tachycardia. Last evaluated: 2024-09-11. Review status: criteria provided, single submitter. Criteria: ACMG Guidelines, 2015. Collection method: clinical testing. Allele origin: germline. Inheritance: Autosomal dominant inheritance. Observed: 1 variant allele, 1 heterozygote.
Comment: This study involves interpretation of variants in research participants for the purpose of population health screening. Participant phenotype was not available at the time of variant classification. Additional details can be found in publication PMID: 35346344, PMCID: PMC8962531